The following is an entry in ClinVar:

ClinVar aggregate classification (germline): Likely pathogenic. Review status: criteria provided, multiple submitters, no conflicts (2 of 4 stars). 5 submissions from 5 submitters: Likely pathogenic (4). 1 of the submissions does not count toward it. Last evaluated 2025-07-21.

Conditions:
Ellis-van Creveld syndrome (EVC). Also called: Chondroectodermal dysplasia; MESOECTODERMAL DYSPLASIA. Identifiers: Orphanet 289, MedGen C0013903, MONDO:0009162, OMIM 225500.
Curry-Hall syndrome (WAD). Also called: WEYERS ACRODENTAL DYSOSTOSIS. Identifiers: Orphanet 952, MedGen C0457013, MONDO:0008673, OMIM 193530.

Allele frequency attached by ClinVar (database versions not stated): gnomAD exomes below 0.00001; gnomAD 0.00001; TOPMed 0.00001.
gnomAD v4.1: 2 of 1,613,784 alleles (0.00012%); highest among the groups gnomAD compares: Non-Finnish European, 0.00017%; no homozygotes.

Submissions (5):

Myriad Genetics, Inc.
Classification: Likely pathogenic for Ellis-van Creveld syndrome. Last evaluated: 2025-07-21. Review status: criteria provided, single submitter. Criteria: Myriad Autosomal Dominant, Autosomal Recessive and X-Linked Classification Criteria (2023). Collection method: clinical testing. Allele origin: unknown.
Comment: NM_147127.4(EVC2):c.229-1G>T is a variant in a canonical splice site classified as likely pathogenic in the context of EVC2-related Ellis-van Creveld syndrome. c.229-1G>T has not been observed in cases with relevant disease. Relevant functional assessments of this variant are not available in the literature. c.229-1G>T has not been observed in referenced population frequency databases. In summary, NM_147127.4(EVC2):c.229-1G>T is a variant in a canonical splice site in a gene where loss of function is a known mechanism of disease and is predicted to disrupt protein function. Please note: this variant was assessed in the context of healthy population screening.

Fulgent Genetics
Classification: Likely pathogenic for Curry-Hall syndrome; Ellis-van Creveld syndrome. Last evaluated: 2023-12-20. Review status: criteria provided, single submitter. Criteria: ACMG Guidelines, 2015. Collection method: clinical testing. Allele origin: germline.

Department of Pathology and Laboratory Medicine, Sinai Health System
Classification: Likely pathogenic for Ellis-van Creveld syndrome. Last evaluated: 2020-06-15. Review status: criteria provided, single submitter. Criteria: ACMG Guidelines, 2015. Collection method: research. Allele origin: germline.

Labcorp Genetics (formerly Invitae), Labcorp
Classification: Likely pathogenic for Curry-Hall syndrome; Ellis-van Creveld syndrome. Last evaluated: 2019-07-26. Review status: criteria provided, single submitter. Criteria: Invitae Variant Classification Sherloc (09022015). Collection method: clinical testing. Allele origin: germline.
Comment: In summary, the currently available evidence indicates that the variant is pathogenic, but additional data are needed to prove that conclusively. Therefore, this variant has been classified as Likely Pathogenic. Donor and acceptor splice site variants typically lead to a loss of protein function (PMID: 16199547), and loss-of-function variants in EVC2 are known to be pathogenic (PMID: 17024374, 19810119, 19876929). Algorithms developed to predict the effect of sequence changes on RNA splicing suggest that this variant may disrupt the consensus splice site, but this prediction has not been confirmed by published transcriptional studies. This variant has not been reported in the literature in individuals with EVC2-related conditions. ClinVar contains an entry for this variant (Variation ID: 555866). This variant is not present in population databases (ExAC no frequency). This sequence change affects an acceptor splice site in intron 1 of the EVC2 gene. It is expected to disrupt RNA splicing and likely results in an absent or disrupted protein product.

Counsyl
Classification: Likely pathogenic for Ellis-van Creveld syndrome. Last evaluated: 2017-12-29. Review status: no assertion criteria provided. Collection method: clinical testing. Allele origin: unknown. Not counted in ClinVar's aggregate classification.

Literature cited by the submitters: PubMed 16199547 (cited by Labcorp Genetics (formerly Invitae), Labcorp); PubMed 17024374 (cited by Labcorp Genetics (formerly Invitae), Labcorp); PubMed 19810119 (cited by Labcorp Genetics (formerly Invitae), Labcorp); PubMed 19876929 (cited by Labcorp Genetics (formerly Invitae), Labcorp).

NM_147127.5(EVC2):c.229-1G>T

Gene: EVC2 (EvC ciliary complex subunit 2; minus strand). Cytogenetic location: 4p16.2.
Variant type: single nucleotide variant.
Coding change: c.229-1G>T on transcript NM_147127.5 (MANE Select); the canonical splice acceptor site of the intron before coding-DNA position 229, G replaced by T.
Molecular consequence: splice acceptor variant.
Genome position (GRCh38, 1-based): chr4:5,697,648, C>A on the plus strand (G>T on the coding strand, the complement: EVC2 is on the minus strand). VCF-style: chr4-5697648-C-A. GRCh37 (hg19) VCF-style: chr4-5699375-C-A.
Other names: c.-12-1G>T (NM_001166136.2).
Identifiers: ClinVar variation 555866 (VCV000555866.14), dbSNP rs1214848359, ClinGen allele CA356152397.